The following is an entry in ClinVar:

ClinVar aggregate classification (germline): Uncertain significance (1 of 4 stars; one submission).

Conditions:
Amyotrophic lateral sclerosis type 1 (ALS1). Also called: AMYOTROPHIC LATERAL SCLEROSIS 1, FAMILIAL. Identifiers: Orphanet 803, MedGen C1862939, MONDO:0007103, OMIM 105400.
Perry syndrome. Also called: PARKINSONISM WITH ALVEOLAR HYPOVENTILATION AND MENTAL DEPRESSION. Identifiers: Orphanet 178509, MedGen C1868594, MONDO:0008201, OMIM 168605.
Neuronopathy, distal hereditary motor, type 7B. Also called: NEURONOPATHY, DISTAL HEREDITARY MOTOR, AUTOSOMAL DOMINANT 14; NEURONOPATHY, DISTAL HEREDITARY MOTOR, HARDING TYPE VIIB; NEUROPATHY, DISTAL HEREDITARY MOTOR, HARDING TYPE VIIB; NEUROPATHY, DISTAL HEREDITARY MOTOR, WITH VOCAL CORD PARALYSIS, HARDING TYPE VIIB; Distal Hereditary Motor Neuronopathy Type 7B (dHMN7B); HMN VIIB. Identifiers: Orphanet 139589, MedGen C1843315, MONDO:0011879, OMIM 607641.

Submission:

Labcorp Genetics (formerly Invitae), Labcorp
Classification: Uncertain significance for Amyotrophic lateral sclerosis type 1; Neuronopathy, distal hereditary motor, type 7B; Perry syndrome. Last evaluated: 2022-04-21. Review status: criteria provided, single submitter. Criteria: Invitae Variant Classification Sherloc (09022015). Collection method: clinical testing. Allele origin: germline.
Comment: In summary, the available evidence is currently insufficient to determine the role of this variant in disease. Therefore, it has been classified as a Variant of Uncertain Significance. Algorithms developed to predict the effect of missense changes on protein structure and function are either unavailable or do not agree on the potential impact of this missense change (SIFT: "Deleterious"; PolyPhen-2: "Benign"; Align-GVGD: "Class C65"). This variant has not been reported in the literature in individuals affected with DCTN1-related conditions. This variant is not present in population databases (gnomAD no frequency). This sequence change replaces isoleucine, which is neutral and non-polar, with threonine, which is neutral and polar, at codon 1277 of the DCTN1 protein (p.Ile1277Thr).

NM_004082.5(DCTN1):c.3830T>C (p.Ile1277Thr)

Gene: DCTN1 (dynactin subunit 1; minus strand). Cytogenetic location: 2p13.1.
Variant type: single nucleotide variant.
Coding change: c.3830T>C on transcript NM_004082.5 (MANE Select); coding-DNA position 3830, T replaced by C.
Protein change: p.Ile1277Thr; replaces isoleucine 1277 with threonine.
Molecular consequence: missense variant. On other transcripts: non-coding transcript variant (1).
Genome position (GRCh38, 1-based): chr2:74,361,506, A>G on the plus strand (T>C on the coding strand, the complement: DCTN1 is on the minus strand). VCF-style: chr2-74361506-A-G. GRCh37 (hg19) VCF-style: chr2-74588633-A-G.
Other names: c.3779T>C, p.Ile1260Thr (NM_001378991.1); c.3761T>C, p.Ile1254Thr (NM_001378992.1); c.3428T>C, p.Ile1143Thr (NM_023019.4); c.3755T>C, p.Ile1252Thr (NM_001135040.3); c.3413T>C, p.Ile1138Thr (NM_001135041.3); c.3704T>C, p.Ile1235Thr (NM_001190836.2); c.3809T>C, p.Ile1270Thr (NM_001190837.2); short protein forms I1254T, I1260T, I1270T, I1235T, I1252T, I1138T, I1143T, I1277T.
Identifiers: ClinVar variation 2128888 (VCV002128888.4), dbSNP rs2529065043, ClinGen allele CA347334416.